The following is an entry in ClinVar:

NM_000138.5(FBN1):c.2830del (p.Asp944fs)

Gene: FBN1 (fibrillin 1; minus strand). Cytogenetic location: 15q21.1.
Variant type: Deletion.
Coding change: c.2830del on transcript NM_000138.5 (MANE Select); coding-DNA position 2830, one base deleted (G; older notation c.2830delG).
Protein change: p.Asp944fs; shifts the reading frame from aspartic acid 944.
Molecular consequence: frameshift variant.
Genome position (GRCh38, 1-based): chr15:48,492,485, C deleted on the plus strand (G on the coding strand, the reverse complement: FBN1 is on the minus strand); the first of 2 consecutive C bases (chr15:48,492,485-48,492,486); deleting either gives the same sequence. VCF-style (leftmost placement, unchanged base first): chr15-48492484-TC-T. GRCh37 (hg19) VCF-style: chr15-48784681-TC-T.
Other names: c.2830del, p.Asp944fs (NM_001406716.1); short protein forms D944fs.
Identifiers: ClinVar variation 2572491 (VCV002572491.1), dbSNP rs2505564326, ClinGen allele CA2580613811.

ClinVar aggregate classification (germline): Likely pathogenic (1 of 4 stars; one submission).

Conditions:
Marfan syndrome (MFS). Also called: MARFAN SYNDROME, TYPE I; FBN1-Related Marfan Syndrome; Marfan syndrome type 1; Marfan's syndrome; Marfan syndrome, classic. Identifiers: Orphanet 284963, Orphanet 558, MedGen C0024796, MONDO:0007947, OMIM 154700.

Submission:

3billion
Classification: Likely pathogenic for Marfan syndrome. Review status: criteria provided, single submitter. Criteria: ACMG Guidelines, 2015. Collection method: clinical testing. Allele origin: unknown. Affected: yes. Observed: 1 heterozygote.
Comment: The variant is not observed in the gnomAD v2.1.1 dataset. The variant is predicted to result in a loss or disruption of normal protein function through nonsense-mediated decay (NMD) or protein truncation. Multiple pathogenic variants are reported downstream of the variant. Therefore, this variant is classified as Likely pathogenic according to the recommendation of ACMG/AMP guideline.